The following is an entry in ClinVar:

ClinVar aggregate classification (germline): Uncertain significance (1 of 4 stars; one submission).

Submission:

Labcorp Genetics (formerly Invitae), Labcorp
Classification: Uncertain significance. Last evaluated: 2023-03-04. Review status: criteria provided, single submitter. Criteria: Invitae Variant Classification Sherloc (09022015). Collection method: clinical testing. Allele origin: germline.
Comment: In summary, the available evidence is currently insufficient to determine the role of this variant in disease. Therefore, it has been classified as a Variant of Uncertain Significance. Advanced modeling of protein sequence and biophysical properties (such as structural, functional, and spatial information, amino acid conservation, physicochemical variation, residue mobility, and thermodynamic stability) performed at Invitae indicates that this missense variant is not expected to disrupt MTOR protein function. This variant has not been reported in the literature in individuals affected with MTOR-related conditions. This variant is not present in population databases (gnomAD no frequency). This sequence change replaces cysteine, which is neutral and slightly polar, with tyrosine, which is neutral and polar, at codon 1534 of the MTOR protein (p.Cys1534Tyr).

NM_004958.4(MTOR):c.4601G>A (p.Cys1534Tyr)

Genes: MTOR (mechanistic target of rapamycin kinase; minus strand), MTOR-AS1 (MTOR antisense RNA 1; plus strand). Cytogenetic location: 1p36.22.
Variant type: single nucleotide variant.
Coding change: c.4601G>A on transcript NM_004958.4 (MANE Select); coding-DNA position 4601, G replaced by A.
Protein change: p.Cys1534Tyr; replaces cysteine 1534 with tyrosine.
Molecular consequence: missense variant.
Genome position (GRCh38, 1-based): chr1:11,146,761, C>T on the plus strand (G>A on the coding strand, the complement: MTOR is on the minus strand). VCF-style: chr1-11146761-C-T. GRCh37 (hg19) VCF-style: chr1-11206818-C-T.
Other names: c.4601G>A, p.Cys1534Tyr (NM_001386500.1); c.3353G>A, p.Cys1118Tyr (NM_001386501.1); short protein forms C1534Y, C1118Y.
Identifiers: ClinVar variation 2842317 (VCV002842317.3), dbSNP rs2522508784, ClinGen allele CA338368627.